The following is an entry in ClinVar:

NM_001005242.3(PKP2):c.200A>G (p.Lys67Arg)

Gene: PKP2 (plakophilin 2; minus strand). Cytogenetic location: 12p11.21.
Variant type: single nucleotide variant.
Coding change: c.200A>G on transcript NM_001005242.3 (MANE Select); coding-DNA position 200, A replaced by G.
Protein change: p.Lys67Arg; replaces lysine 67 with arginine.
Molecular consequence: missense variant.
Genome position (GRCh38, 1-based): chr12:32,896,532, T>C on the plus strand (A>G on the coding strand, the complement: PKP2 is on the minus strand). VCF-style: chr12-32896532-T-C. GRCh37 (hg19) VCF-style: chr12-33049466-T-C.
Other names: c.200A>G, p.Lys67Arg (NM_004572.4); short protein forms K67R.
Identifiers: ClinVar variation 956306 (VCV000956306.10), dbSNP rs1957126196, ClinGen allele CA384370587.

ClinVar aggregate classification (germline): Uncertain significance. Review status: criteria provided, multiple submitters, no conflicts (2 of 4 stars). 2 submissions from 2 submitters: Uncertain significance (2). Last evaluated 2026-08-29.

Conditions:
Arrhythmogenic right ventricular dysplasia 9 (ARVD9). Also called: Arrhythmogenic Right Ventricular Dysplasia/Cardiomyopathy 9; ARRHYTHMOGENIC RIGHT VENTRICULAR DYSPLASIA, FAMILIAL, 9. Identifiers: MedGen C1836906, MONDO:0012180, OMIM 609040.
Cardiovascular phenotype. Identifiers: MedGen CN230736.

Allele frequency attached by ClinVar (database versions not stated): TOPMed below 0.00001; gnomAD exomes below 0.00001.
gnomAD v4.1: 1 of 1,557,476 alleles (0.000064%); highest among the groups gnomAD compares: Non-Finnish European, 0.000086%; no homozygotes.

Submissions (2):

Ambry Genetics
Classification: Uncertain significance for Cardiovascular phenotype. Last evaluated: 2026-08-29. Review status: criteria provided, single submitter. Criteria: Ambry Variant Classification Scheme 2023. Collection method: clinical testing. Allele origin: germline.
Comment: The p.K67R variant (also known as c.200A>G), located in coding exon 1 of the PKP2 gene, results from an A to G substitution at nucleotide position 200. The lysine at codon 67 is replaced by arginine, an amino acid with highly similar properties. This amino acid position is conserved. In addition, this alteration is predicted to be tolerated by in silico analysis. Based on the available evidence, the clinical significance of this variant remains unclear.

Labcorp Genetics (formerly Invitae), Labcorp
Classification: Uncertain significance for Arrhythmogenic right ventricular dysplasia 9. Last evaluated: 2022-07-30. Review status: criteria provided, single submitter. Criteria: Invitae Variant Classification Sherloc (09022015). Collection method: clinical testing. Allele origin: germline.
Comment: In summary, the available evidence is currently insufficient to determine the role of this variant in disease. Therefore, it has been classified as a Variant of Uncertain Significance. Algorithms developed to predict the effect of missense changes on protein structure and function output the following: SIFT: "Tolerated"; PolyPhen-2: "Benign"; Align-GVGD: "Class C0". The arginine amino acid residue is found in multiple mammalian species, which suggests that this missense change does not adversely affect protein function. ClinVar contains an entry for this variant (Variation ID: 956306). This variant has not been reported in the literature in individuals affected with PKP2-related conditions. This variant is not present in population databases (gnomAD no frequency). This sequence change replaces lysine, which is basic and polar, with arginine, which is basic and polar, at codon 67 of the PKP2 protein (p.Lys67Arg).